The following is an entry in ClinVar:

ClinVar aggregate classification (germline): Conflicting classifications of pathogenicity. Review status: criteria provided, conflicting classifications (1 of 4 stars). 2 submissions from 2 submitters: Uncertain significance (1); Likely benign (1). Last evaluated 2022-10-25.

Conditions:
Inborn genetic diseases. Identifiers: MedGen C0950123, MeSH D030342.

Allele frequency attached by ClinVar (database versions not stated): ExAC 0.00002; TOPMed 0.00003; gnomAD 0.00006.

Submissions (2):

Ambry Genetics
Classification: Likely benign for Inborn genetic diseases. Last evaluated: 2022-10-25. Review status: criteria provided, single submitter. Criteria: Ambry Variant Classification Scheme 2023. Collection method: clinical testing. Allele origin: germline.

Labcorp Genetics (formerly Invitae), Labcorp
Classification: Uncertain significance. Last evaluated: 2022-07-19. Review status: criteria provided, single submitter. Criteria: Invitae Variant Classification Sherloc (09022015). Collection method: clinical testing. Allele origin: germline.
Comment: This sequence change replaces alanine, which is neutral and non-polar, with threonine, which is neutral and polar, at codon 84 of the PYCR1 protein (p.Ala84Thr). This variant is present in population databases (rs754349366, gnomAD 0.02%). This variant has not been reported in the literature in individuals affected with PYCR1-related conditions. Algorithms developed to predict the effect of missense changes on protein structure and function output the following: SIFT: "Tolerated"; PolyPhen-2: "Benign"; Align-GVGD: "Class C0". The threonine amino acid residue is found in multiple mammalian species, which suggests that this missense change does not adversely affect protein function. In summary, the available evidence is currently insufficient to determine the role of this variant in disease. Therefore, it has been classified as a Variant of Uncertain Significance.

NM_006907.4(PYCR1):c.250G>A (p.Ala84Thr)

Gene: PYCR1 (pyrroline-5-carboxylate reductase 1; minus strand). Cytogenetic location: 17q25.3.
Variant type: single nucleotide variant.
Coding change: c.250G>A on transcript NM_006907.4 (MANE Select); coding-DNA position 250, G replaced by A.
Protein change: p.Ala84Thr; replaces alanine 84 with threonine.
Molecular consequence: missense variant.
Genome position (GRCh38, 1-based): chr17:81,935,405, C>T on the plus strand (G>A on the coding strand, the complement: PYCR1 is on the minus strand). VCF-style: chr17-81935405-C-T. GRCh37 (hg19) VCF-style: chr17-79893281-C-T.
Other names: c.250G>A, p.Ala84Thr (NM_001282279.2, NM_001282280.2, NM_001330523.2 and 1 more transcripts); c.331G>A, p.Ala111Thr (NM_001282281.2); c.250G>A (NM_006907.2); short protein forms A111T, A84T.
Identifiers: ClinVar variation 2157138 (VCV002157138.2), dbSNP rs754349366, ClinGen allele CA8845518.
Genomic context (GRCh38, chr17:81,935,405, plus strand): 5'-TGGAGCTGATGGTGACGCCGGCCGCGCAGGACACCACAATGTGTCTGTCCTCAATGTCGG[C>T]GCCTATTTCATCCAGGATGAAGGGGATGATGTGTGGCTTCACAGCCAGGAAGAGCACATC-3'
Protein context (NP_008838.2, residues 74-94): IIPFILDEIG[Ala84Thr]DIEDRHIVVS